The following is an entry in ClinVar:

ClinVar aggregate classification (germline): Uncertain significance (1 of 4 stars; one submission).

Allele frequency attached by ClinVar (database versions not stated): gnomAD exomes below 0.00001; gnomAD 0.00001.
gnomAD v4.1: 4 of 1,551,230 alleles (0.00026%); highest among the groups gnomAD compares: African/African-American, 0.0014%; no homozygotes.

Submission:

Labcorp Genetics (formerly Invitae), Labcorp
Classification: Uncertain significance. Last evaluated: 2021-08-31. Review status: criteria provided, single submitter. Criteria: Invitae Variant Classification Sherloc (09022015). Collection method: clinical testing. Allele origin: germline.
Comment: This sequence change replaces aspartic acid with glycine at codon 1572 of the EYS protein (p.Asp1572Gly). The aspartic acid residue is moderately conserved and there is a moderate physicochemical difference between aspartic acid and glycine. This variant is not present in population databases (ExAC no frequency). This variant has not been reported in the literature in individuals affected with EYS-related conditions. Algorithms developed to predict the effect of missense changes on protein structure and function are either unavailable or do not agree on the potential impact of this missense change (SIFT: "Deleterious"; PolyPhen-2: "Probably Damaging"; Align-GVGD: "Class C0"). Algorithms developed to predict the effect of sequence changes on RNA splicing suggest that this variant may create or strengthen a splice site. In summary, the available evidence is currently insufficient to determine the role of this variant in disease. Therefore, it has been classified as a Variant of Uncertain Significance.

NM_001142800.2(EYS):c.4715A>G (p.Asp1572Gly)

Gene: EYS (eyes shut homolog; minus strand). Cytogenetic location: 6q12.
Variant type: single nucleotide variant.
Coding change: c.4715A>G on transcript NM_001142800.2 (MANE Select); coding-DNA position 4715, A replaced by G.
Protein change: p.Asp1572Gly; replaces aspartic acid 1572 with glycine.
Molecular consequence: missense variant.
Genome position (GRCh38, 1-based): chr6:64,591,152, T>C on the plus strand (A>G on the coding strand, the complement: EYS is on the minus strand). VCF-style: chr6-64591152-T-C. GRCh37 (hg19) VCF-style: chr6-65301045-T-C.
Other names: c.4715A>G, p.Asp1572Gly (NM_001292009.2); short protein forms D1572G.
Identifiers: ClinVar variation 1355006 (VCV001355006.5), dbSNP rs1766395912, ClinGen allele CA364782703.